The following is an entry in ClinVar:

ClinVar aggregate classification (germline): Benign. Review status: criteria provided, multiple submitters, no conflicts (2 of 4 stars). 2 submissions from 2 submitters: Benign (2). Last evaluated 2016-03-29.

Allele frequency attached by ClinVar (database versions not stated): ESP Exome Variant Server 0.39966; gnomAD 0.40170; TOPMed 0.43410; 1000 Genomes Project 30x 0.47986; 1000 Genomes Project 0.48143.
gnomAD v4.1: 522,376 of 1,601,768 alleles (33%); highest among the groups gnomAD compares: East Asian, 71%; 94,161 homozygotes.

Submissions (2):

Laboratory for Molecular Medicine, Mass General Brigham Personalized Medicine
Classification: Benign. Last evaluated: 2016-03-29. Review status: criteria provided, single submitter. Criteria: LMM Criteria. Collection method: clinical testing. Allele origin: germline.
Comment: Variant identified in a genome or exome case(s) and assessed due to predicted null impact of the variant or pathogenic assertions in the literature or databases. Disclaimer: This variant has not undergone full assessment. The following are preliminary notes: Frequency

Breakthrough Genomics
Classification: Benign. Review status: criteria provided, single submitter. Criteria: ACMG Guidelines, 2015. Collection method: not provided. Allele origin: germline. Inheritance: Unknown mechanism. Affected: yes.

NM_001330542.2(HEXD):c.15T>G (p.Thr5=)

Gene: HEXD (hexosaminidase D; plus strand). Cytogenetic location: 17q25.3.
Variant type: single nucleotide variant.
Coding change: c.15T>G on transcript NM_001330542.2 (MANE Select); coding-DNA position 15, T replaced by G.
Protein change: p.Thr5=; no amino-acid change (threonine 5 retained).
Molecular consequence: synonymous variant. On other transcripts: 5 prime UTR variant (2).
Genome position (GRCh38, 1-based): chr17:82,419,814, T>G. VCF-style: chr17-82419814-T-G. GRCh37 (hg19) VCF-style: chr17-80377690-T-G.
Other names: c.-360T>G (NM_001369487.1); c.-152T>G (NM_001369488.1); c.15T>G, p.Thr5= (NM_173620.3).
Identifiers: ClinVar variation 402932 (VCV000402932.5), dbSNP rs1141463, ClinGen allele CA8857287.